The following is an entry in ClinVar:

NM_001308093.3(GATA4):c.470C>G (p.Ser157Cys)

Gene: GATA4 (GATA binding protein 4). Cytogenetic location: 8p23.1.
Variant type: single nucleotide variant.
Coding change: c.470C>G on transcript NM_001308093.3 (MANE Select); coding-DNA position 470, C replaced by G.
Protein change: p.Ser157Cys; replaces serine 157 with cysteine.
Molecular consequence: missense variant. On other transcripts: intron variant (3).
Genome position (GRCh38, 1-based): chr8:11,708,782, C>G. VCF-style: chr8-11708782-C-G. GRCh37 (hg19) VCF-style: chr8-11566291-C-G.
Other names: c.470C>G, p.Ser157Cys (NM_002052.5); c.-6+8004C>G (NM_001308094.2); c.-3+768C>G (NM_001374274.1); c.-3+4478C>G (NM_001374273.1); short protein forms S157C.
Identifiers: ClinVar variation 3708381 (VCV003708381.2).

ClinVar aggregate classification (germline): Uncertain significance (1 of 4 stars; one submission).

Conditions:
Atrioventricular septal defect 4 (AVSD4). Identifiers: MedGen C3280781, MONDO:0013747, OMIM 614430.

gnomAD v4.1: 3 of 1,455,330 alleles (0.00021%); highest among the groups gnomAD compares: East Asian, 0.003%; no homozygotes.

Submission:

Labcorp Genetics (formerly Invitae), Labcorp
Classification: Uncertain significance for Atrioventricular septal defect 4. Last evaluated: 2026-01-31. Review status: criteria provided, single submitter. Criteria: Invitae Variant Classification Sherloc (09022015). Collection method: clinical testing. Allele origin: germline.
Comment: This sequence change replaces serine, which is neutral and polar, with cysteine, which is neutral and slightly polar, at codon 157 of the GATA4 protein (p.Ser157Cys). This variant is not present in population databases (gnomAD no frequency). This variant has not been reported in the literature in individuals affected with GATA4-related conditions. ClinVar contains an entry for this variant (Variation ID: 3708381). Invitae Evidence Modeling of protein sequence and biophysical properties (such as structural, functional, and spatial information, amino acid conservation, physicochemical variation, residue mobility, and thermodynamic stability) has been performed for this missense variant. However, the output from this modeling did not meet the statistical confidence thresholds required to predict the impact of this variant on GATA4 protein function. In summary, the available evidence is currently insufficient to determine the role of this variant in disease. Therefore, it has been classified as a Variant of Uncertain Significance.